The following is an entry in ClinVar:

NM_000228.3(LAMB3):c.3034del (p.Gln1012fs)

Gene: LAMB3 (laminin subunit beta 3; minus strand). Cytogenetic location: 1q32.2.
Variant type: Deletion.
Coding change: c.3034del on transcript NM_000228.3 (MANE Select); coding-DNA position 3034, one base deleted (C; older notation c.3034delC).
Protein change: p.Gln1012fs; shifts the reading frame from glutamine 1012.
Molecular consequence: frameshift variant.
Genome position (GRCh38, 1-based): chr1:209,617,924, G deleted on the plus strand (C on the coding strand, the reverse complement: LAMB3 is on the minus strand); the first of 2 consecutive G bases (chr1:209,617,924-209,617,925); deleting either gives the same sequence. VCF-style (leftmost placement, unchanged base first): chr1-209617923-TG-T. GRCh37 (hg19) VCF-style: chr1-209791268-TG-T.
Other names: c.3034del, p.Gln1012fs (NM_001017402.2, NM_001127641.1); short protein forms Q1012fs.
Identifiers: ClinVar variation 1724972 (VCV001724972.3), dbSNP rs2464757224, ClinGen allele CA2580061985.

ClinVar aggregate classification (germline): Likely pathogenic (1 of 4 stars; one submission).

Conditions:
Junctional epidermolysis bullosa. Identifiers: Orphanet 305, MedGen C0079301, MONDO:0017612.

Submission:

Myriad Genetics, Inc.
Classification: Likely pathogenic for Junctional epidermolysis bullosa. Last evaluated: 2022-03-03. Review status: criteria provided, single submitter. Criteria: Myriad Autosomal Dominant, Autosomal Recessive and X-Linked Classification Criteria (2023). Collection method: clinical testing. Allele origin: unknown.
Comment: NM_000228.2(LAMB3):c.3034delC(Q1012Rfs*18) is expected to be pathogenic in the context of junctional epidermolysis bullosa, LAMB3-related. This variant is predicted to lead to an abnormal or absent protein product due to the creation of a premature termination codon in LAMB3, a gene where loss-of-function variants are known to be pathogenic. Please note: this variant was assessed in the context of healthy population screening.